The following is an entry in ClinVar:

ClinVar aggregate classification (germline): Uncertain significance. Review status: criteria provided, multiple submitters, no conflicts (2 of 4 stars). 2 submissions from 2 submitters: Uncertain significance (2). Last evaluated 2025-09-18.

Conditions:
Hereditary cancer-predisposing syndrome. Also called: Neoplastic Syndromes, Hereditary; Tumor predisposition; Hereditary Cancer Syndrome; Hereditary neoplastic syndrome. Identifiers: Orphanet 140162, MedGen C0027672, MeSH D009386, MONDO:0015356.
Oligodontia-cancer predisposition syndrome. Also called: TOOTH AGENESIS-COLORECTAL CANCER SYNDROME. Identifiers: Orphanet 300576, MedGen C1837750, MONDO:0012075, OMIM 608615. Disease mechanism: loss of function.

Submissions (2):

Ambry Genetics
Classification: Uncertain significance for Hereditary cancer-predisposing syndrome. Last evaluated: 2025-09-18. Review status: criteria provided, single submitter. Criteria: Ambry Variant Classification Scheme 2023. Collection method: clinical testing. Allele origin: germline.
Comment: The p.G213R variant (also known as c.637G>A), located in coding exon 1 of the AXIN2 gene, results from a G to A substitution at nucleotide position 637. The glycine at codon 213 is replaced by arginine, an amino acid with dissimilar properties. This amino acid position is conserved. In addition, this alteration is predicted to be tolerated by in silico analysis. Based on the available evidence, the clinical significance of this variant remains unclear.

Labcorp Genetics (formerly Invitae), Labcorp
Classification: Uncertain significance for Oligodontia-cancer predisposition syndrome. Last evaluated: 2020-03-26. Review status: criteria provided, single submitter. Criteria: Invitae Variant Classification Sherloc (09022015). Collection method: clinical testing. Allele origin: germline.
Comment: This sequence change replaces glycine with arginine at codon 213 of the AXIN2 protein (p.Gly213Arg). The glycine residue is weakly conserved and there is a moderate physicochemical difference between glycine and arginine. This variant is not present in population databases (ExAC no frequency). This variant has not been reported in the literature in individuals with AXIN2-related disease. Algorithms developed to predict the effect of missense changes on protein structure and function (SIFT, PolyPhen-2, Align-GVGD) all suggest that this variant is likely to be tolerated, but these predictions have not been confirmed by published functional studies and their clinical significance is uncertain. In summary, the available evidence is currently insufficient to determine the role of this variant in disease. Therefore, it has been classified as a Variant of Uncertain Significance.

NM_004655.4(AXIN2):c.637G>A (p.Gly213Arg)

Gene: AXIN2 (axin 2; minus strand). Cytogenetic location: 17q24.1.
Variant type: single nucleotide variant.
Coding change: c.637G>A on transcript NM_004655.4 (MANE Select); coding-DNA position 637, G replaced by A.
Protein change: p.Gly213Arg; replaces glycine 213 with arginine.
Molecular consequence: missense variant.
Genome position (GRCh38, 1-based): chr17:65,557,984, C>T on the plus strand (G>A on the coding strand, the complement: AXIN2 is on the minus strand). VCF-style: chr17-65557984-C-T. GRCh37 (hg19) VCF-style: chr17-63554102-C-T.
Other names: c.637G>A (LRG_296t1); c.637G>A, p.Gly213Arg (NM_001363813.1); short protein forms G213R.
Identifiers: ClinVar variation 640528 (VCV000640528.8), dbSNP rs1598119247, ClinGen allele CA400680596.